The following is an entry in ClinVar:

NM_001458.5(FLNC):c.4288+1G>A

Gene: FLNC (filamin C; plus strand). Cytogenetic location: 7q32.1.
Variant type: single nucleotide variant.
Coding change: c.4288+1G>A on transcript NM_001458.5 (MANE Select); the canonical splice donor site of the intron after coding-DNA position 4288, G replaced by A.
Molecular consequence: splice donor variant.
Genome position (GRCh38, 1-based): chr7:128,846,906, G>A. VCF-style: chr7-128846906-G-A. GRCh37 (hg19) VCF-style: chr7-128486960-G-A.
Other names: c.4288+1G>A (NM_001127487.2).
Identifiers: ClinVar variation 1348848 (VCV001348848.6), dbSNP rs2128937065, ClinGen allele CA369201006.

ClinVar aggregate classification (germline): Likely pathogenic (1 of 4 stars; one submission).

Conditions:
Myofibrillar myopathy 5. Also called: Filaminopathy (type); FILAMINOPATHY, AUTOSOMAL DOMINANT. Identifiers: Orphanet 171445, MedGen C1836050, MONDO:0012289, OMIM 609524.
Distal myopathy with posterior leg and anterior hand involvement. Also called: WILLIAMS DISTAL MYOPATHY. Identifiers: Orphanet 63273, MedGen C3279722, MONDO:0013550, OMIM 614065.
Hypertrophic cardiomyopathy 26. Also called: Cardiomyopathy, familial hypertrophic, 26. Identifiers: Orphanet 75249, MedGen C4310749, MONDO:0014883, OMIM 617047.

Submission:

Labcorp Genetics (formerly Invitae), Labcorp
Classification: Likely pathogenic for Distal myopathy with posterior leg and anterior hand involvement; Myofibrillar myopathy 5; Hypertrophic cardiomyopathy 26. Last evaluated: 2024-02-13. Review status: criteria provided, single submitter. Criteria: Invitae Variant Classification Sherloc (09022015). Collection method: clinical testing. Allele origin: germline.
Comment: This sequence change affects a donor splice site in intron 24 of the FLNC gene. It is expected to disrupt RNA splicing. Variants that disrupt the donor or acceptor splice site typically lead to a loss of protein function (PMID: 16199547), and loss-of-function variants in FLNC are known to be pathogenic (PMID: 27908349). This variant is not present in population databases (gnomAD no frequency). This variant has not been reported in the literature in individuals affected with FLNC-related conditions. ClinVar contains an entry for this variant (Variation ID: 1348848). Algorithms developed to predict the effect of sequence changes on RNA splicing suggest that this variant may disrupt the consensus splice site. In summary, the currently available evidence indicates that the variant is pathogenic, but additional data are needed to prove that conclusively. Therefore, this variant has been classified as Likely Pathogenic.

Literature cited by the submitters: PubMed 16199547; PubMed 27908349.